The following is an entry in ClinVar:

NM_002180.3(IGHMBP2):c.200T>C (p.Phe67Ser)

Gene: IGHMBP2 (immunoglobulin mu DNA binding protein 2; plus strand). Cytogenetic location: 11q13.3.
Variant type: single nucleotide variant.
Coding change: c.200T>C on transcript NM_002180.3 (MANE Select); coding-DNA position 200, T replaced by C.
Protein change: p.Phe67Ser; replaces phenylalanine 67 with serine.
Molecular consequence: missense variant.
Genome position (GRCh38, 1-based): chr11:68,906,182, T>C. VCF-style: chr11-68906182-T-C. GRCh37 (hg19) VCF-style: chr11-68673650-T-C.
Other names: SMUBP2; short protein forms F67S.
Identifiers: ClinVar variation 496735 (VCV000496735.5), dbSNP rs1555242247, ClinGen allele CA381642473.

ClinVar aggregate classification (germline): Uncertain significance (1 of 4 stars; one submission).

Conditions:
Autosomal recessive distal spinal muscular atrophy 1. Also called: NEURONOPATHY, SEVERE INFANTILE AXONAL, WITH RESPIRATORY FAILURE; SEVERE INFANTILE AXONAL NEUROPATHY WITH RESPIRATORY FAILURE; SPINAL MUSCULAR ATROPHY, DIAPHRAGMATIC; Spinal muscular atrophy with respiratory distress 1; NEURONOPATHY, DISTAL HEREDITARY MOTOR, HARDING TYPE VI; NEUROPATHY, DISTAL HEREDITARY MOTOR, AUTOSOMAL RECESSIVE 1. Identifiers: Orphanet 98920, MedGen C1858517, MONDO:0011436, OMIM 604320.

Submission:

Service de Pédiatrie - Neurologie et infectiologie - Toulouse, CHU de Toulouse - Hôpital des Enfants
Classification: Uncertain significance for Autosomal recessive distal spinal muscular atrophy 1. Last evaluated: 2018-01-21. Review status: criteria provided, single submitter. Criteria: ACMG Guidelines, 2015. Collection method: case-control. Allele origin: unknown. Inheritance: Autosomal recessive inheritance. Affected: yes. Observed: 2 variant alleles, 1 compound heterozygote, 1 homozygote.
Comment: Missense mutation in the DNA helicase domain (region 1B). Poorly conserved across species. Never published yet.